The following is an entry in ClinVar:

ClinVar aggregate classification (germline): Pathogenic (1 of 4 stars; one submission).

Conditions:
Ehlers-Danlos syndrome, dermatosparaxis type. Also called: EDS VIIC; Dermatosparaxis; Ehlers-Danlos syndrome, type VII, autosomal recessive. Identifiers: Orphanet 1901, MedGen C2700425, MONDO:0009161, OMIM 225410.

Submission:

Myriad Genetics, Inc.
Classification: Pathogenic for Ehlers-Danlos syndrome, dermatosparaxis type. Last evaluated: 2024-05-14. Review status: criteria provided, single submitter. Criteria: Myriad Autosomal Dominant, Autosomal Recessive and X-Linked Classification Criteria (2023). Collection method: clinical testing. Allele origin: unknown.
Comment: NM_014244.4(ADAMTS2):c.104_105ins11(N36Sfs*133) is expected to be pathogenic in the context of Ehlers-Danlos syndrome, ADAMTS2-related. This variant is predicted to lead to an abnormal or absent protein product due to the creation of a premature termination codon in ADAMTS2, a gene where loss-of-function variants are known to be pathogenic. Please note: this variant was assessed in the context of healthy population screening.

NM_014244.5(ADAMTS2):c.104_105insTAGTCTCCAGG (p.Asn36fs)

Gene: ADAMTS2 (ADAM metallopeptidase with thrombospondin type 1 motif 2; minus strand). Cytogenetic location: 5q35.3.
Variant type: Insertion.
Coding change: c.104_105insTAGTCTCCAGG on transcript NM_014244.5 (MANE Select); coding-DNA positions 104 to 105, TAGTCTCCAGG inserted.
Protein change: p.Asn36fs; shifts the reading frame from asparagine 36.
Molecular consequence: frameshift variant.
Genome position: GRCh38 VCF-style: chr5-179345224-C-CCCTGGAGACTA. GRCh37 (hg19) VCF-style: chr5-178772225-C-CCCTGGAGACTA.
Other names: c.104_105insTAGTCTCCAGG, p.Asn36fs (NM_021599.4); short protein forms N36fs.
Identifiers: ClinVar variation 5010683 (VCV005010683.1).
Genomic context (GRCh38, chr5:179,345,224, plus strand): 5'-GGGAGTAGGGGCCGGGCCGCACCTACCTGGGGGGTCGGCGGCGGCGGCGAGCCTGGCGTT[C>CCCTGGAGACTA]GCGGGCGGCGGCGGCGGCGGCAGGAGCGGCGGCGGCAGCAGCAGCAGCAGCAGCAGCAGC-3'